The following is an entry in ClinVar:

NM_001375524.1(TRRAP):c.8770C>T (p.Arg2924Cys)

Gene: TRRAP (transformation/transcription domain associated protein; plus strand). Cytogenetic location: 7q22.1.
Variant type: single nucleotide variant.
Coding change: c.8770C>T on transcript NM_001375524.1 (MANE Select); coding-DNA position 8770, C replaced by T.
Protein change: p.Arg2924Cys; replaces arginine 2924 with cysteine.
Molecular consequence: missense variant.
Genome position (GRCh38, 1-based): chr7:98,981,904, C>T. VCF-style: chr7-98981904-C-T. GRCh37 (hg19) VCF-style: chr7-98579527-C-T.
Other names: c.8749C>T, p.Arg2917Cys (NM_001244580.2); c.8695C>T, p.Arg2899Cys (NM_003496.4); short protein forms R2899C, R2917C, R2924C.
Identifiers: ClinVar variation 2498251 (VCV002498251.2), dbSNP rs1792941314, ClinGen allele CA368311001.

ClinVar aggregate classification (germline): Uncertain significance. Review status: criteria provided, single submitter (1 of 4 stars). 2 submissions from 2 submitters: Uncertain significance (1). 1 of the submissions does not count toward it. Last evaluated 2024-02-20.

Conditions:
Teratoma. Identifiers: MedGen C0039538, MONDO:0002601, HP:0009792.
Developmental delay with or without dysmorphic facies and autism. Identifiers: MedGen C5193106, MONDO:0032760, OMIM 618454.

Submissions (2):

Clinical Genomics Laboratory, Washington University in St. Louis
Classification: Uncertain significance for Developmental delay with or without dysmorphic facies and autism. Last evaluated: 2024-02-20. Review status: criteria provided, single submitter. Criteria: ACMG Guidelines, 2015. Collection method: clinical testing. Allele origin: germline. Affected: yes.
Comment: The TRRAP c.8770C>T (p.Arg2924Cys) variant, to our knowledge, has not been reported in the medical literature and is absent from the general population (gnomAD v.2.1.1), indicating it is not a common variant. Computational predictors indicate that the variant is damaging, evidence that correlates with impact to TRRAP function. This variant has been reported in the ClinVar database as a somatic variant for teratoma by one submitter. Due to limited information, and based on ACMG/AMP guidelines for variant interpretation (Richards S et al., PMID: 25741868), the clinical significance of this variant is uncertain at this time.

Molecular ImmunoRheumatology UMRS_1109, Institut national de la santé et de la recherche médicale
Classification: Uncertain significance for Teratoma. Last evaluated: 2023-01-01. Review status: no assertion criteria provided. Collection method: research. Allele origin: somatic. Affected: yes. Not counted in ClinVar's aggregate classification.